The following is an entry in ClinVar:

NM_003900.5(SQSTM1):c.1295A>G (p.Gln432Arg)

Gene: SQSTM1 (sequestosome 1; plus strand). Cytogenetic location: 5q35.3.
Variant type: single nucleotide variant.
Coding change: c.1295A>G on transcript NM_003900.5 (MANE Select); coding-DNA position 1295, A replaced by G.
Protein change: p.Gln432Arg; replaces glutamine 432 with arginine.
Molecular consequence: missense variant.
Genome position (GRCh38, 1-based): chr5:179,836,565, A>G. VCF-style: chr5-179836565-A-G. GRCh37 (hg19) VCF-style: chr5-179263565-A-G.
Other names: c.1043A>G, p.Gln348Arg (NM_001142298.2, NM_001142299.2); short protein forms Q432R, Q348R.
Identifiers: ClinVar variation 4792428 (VCV004792428.1).

ClinVar aggregate classification (germline): Uncertain significance (1 of 4 stars; one submission).

Conditions:
Frontotemporal dementia and/or amyotrophic lateral sclerosis 1 (FTDALS1). Also called: C9orf72 Frontotemporal Dementia and/or Amyotrophic Lateral Sclerosis; Frontotemporal dementia with motor neuron disease 1. Identifiers: Orphanet 275872, MedGen C5779877, MONDO:0007105, OMIM 105550.
Paget disease of bone 2, early-onset (PDB2). Also called: Paget disease of bone 2. Identifiers: MedGen C4085251, MONDO:0011183, OMIM 602080.

gnomAD v4.1: 2 of 1,614,190 alleles (0.00012%); highest among the groups gnomAD compares: Non-Finnish European, 0.00017%; no homozygotes.

Submission:

Labcorp Genetics (formerly Invitae), Labcorp
Classification: Uncertain significance for Paget disease of bone 2, early-onset; Frontotemporal dementia and/or amyotrophic lateral sclerosis 1. Last evaluated: 2025-11-19. Review status: criteria provided, single submitter. Criteria: Invitae Variant Classification Sherloc (09022015). Collection method: clinical testing. Allele origin: germline.
Comment: This sequence change replaces glutamine, which is neutral and polar, with arginine, which is basic and polar, at codon 432 of the SQSTM1 protein (p.Gln432Arg). This variant is not present in population databases (gnomAD no frequency). This variant has not been reported in the literature in individuals affected with SQSTM1-related conditions. Invitae Evidence Modeling of protein sequence and biophysical properties (such as structural, functional, and spatial information, amino acid conservation, physicochemical variation, residue mobility, and thermodynamic stability) indicates that this missense variant is expected to disrupt SQSTM1 protein function with a positive predictive value of 80%. Algorithms developed to predict the effect of sequence changes on RNA splicing suggest that this variant may create or strengthen a splice site. In summary, the available evidence is currently insufficient to determine the role of this variant in disease. Therefore, it has been classified as a Variant of Uncertain Significance.